The following is an entry in ClinVar:

NM_000245.4(MET):c.2608G>A (p.Val870Ile)

Gene: MET (MET proto-oncogene, receptor tyrosine kinase; plus strand). Cytogenetic location: 7q31.2.
Variant type: single nucleotide variant.
Coding change: c.2608G>A on transcript NM_000245.4 (MANE Select); coding-DNA position 2608, G replaced by A.
Protein change: p.Val870Ile; replaces valine 870 with isoleucine.
Molecular consequence: missense variant.
Genome position (GRCh38, 1-based): chr7:116,769,669, G>A. VCF-style: chr7-116769669-G-A. GRCh37 (hg19) VCF-style: chr7-116409723-G-A.
Other names: c.2608G>A (NM_000245.2); c.2662G>A, p.Val888Ile (NM_001127500.3); c.2608G>A, p.Val870Ile (NM_001324401.3); c.1318G>A, p.Val440Ile (NM_001324402.2); short protein forms V440I, V870I, V888I.
Identifiers: ClinVar variation 2676527 (VCV002676527.5), dbSNP rs2485766727, ClinGen allele CA368985356.

ClinVar aggregate classification (germline): Uncertain significance. Review status: criteria provided, multiple submitters, no conflicts (2 of 4 stars). 3 submissions from 3 submitters: Uncertain significance (3). Last evaluated 2026-07-06.

Conditions:
Hereditary cancer-predisposing syndrome. Also called: Hereditary neoplastic syndrome; Hereditary Cancer Syndrome; Neoplastic Syndromes, Hereditary; Tumor predisposition. Identifiers: Orphanet 140162, MedGen C0027672, MeSH D009386, MONDO:0015356.
Autosomal recessive nonsyndromic hearing loss 97. Also called: Deafness, autosomal recessive 97. Identifiers: Orphanet 90636, MedGen C4084709, MONDO:0014739, OMIM 616705.
Renal cell carcinoma. Identifiers: Orphanet 217071, MedGen C0007134, MeSH D002292, MONDO:0005086, HP:0005584.

Submissions (3):

Ambry Genetics
Classification: Uncertain significance for Hereditary cancer-predisposing syndrome. Last evaluated: 2026-07-06. Review status: criteria provided, single submitter. Criteria: Ambry Variant Classification Scheme 2023. Collection method: clinical testing. Allele origin: germline.
Comment: The p.V870I variant (also known as c.2608G>A), located in coding exon 11 of the MET gene, results from a G to A substitution at nucleotide position 2608. The valine at codon 870 is replaced by isoleucine, an amino acid with highly similar properties. This amino acid position is conserved. In addition, this alteration is predicted to be tolerated by in silico analysis. Based on the available evidence, the clinical significance of this variant remains unclear.

Baylor Genetics
Classification: Uncertain significance for Autosomal recessive nonsyndromic hearing loss 97. Last evaluated: 2023-06-15. Review status: criteria provided, single submitter. Criteria: ACMG Guidelines, 2015. Collection method: clinical testing. Allele origin: unknown.

Labcorp Genetics (formerly Invitae), Labcorp
Classification: Uncertain significance for Renal cell carcinoma. Last evaluated: 2023-04-22. Review status: criteria provided, single submitter. Criteria: Invitae Variant Classification Sherloc (09022015). Collection method: clinical testing. Allele origin: germline.
Comment: In summary, the available evidence is currently insufficient to determine the role of this variant in disease. Therefore, it has been classified as a Variant of Uncertain Significance. Advanced modeling of protein sequence and biophysical properties (such as structural, functional, and spatial information, amino acid conservation, physicochemical variation, residue mobility, and thermodynamic stability) performed at Invitae indicates that this missense variant is not expected to disrupt MET protein function. This variant has not been reported in the literature in individuals affected with MET-related conditions. This variant is not present in population databases (gnomAD no frequency). This sequence change replaces valine, which is neutral and non-polar, with isoleucine, which is neutral and non-polar, at codon 888 of the MET protein (p.Val888Ile).